The following is an entry in ClinVar:

NM_004275.5(MED20):c.148G>T (p.Ala50Ser)

Genes: MED20 (mediator complex subunit 20; minus strand), BYSL (bystin like; plus strand), LOC126859675 (MED14-independent group 3 enhancer GRCh37_chr6:41884515-41885714; plus strand). Cytogenetic location: 6p21.1.
Variant type: single nucleotide variant.
Coding change: c.148G>T on transcript NM_004275.5 (MANE Select); coding-DNA position 148, G replaced by T.
Protein change: p.Ala50Ser; replaces alanine 50 with serine.
Molecular consequence: missense variant. On other transcripts: 5 prime UTR variant (1), non-coding transcript variant (1), intron variant (1).
Genome position (GRCh38, 1-based): chr6:41,916,806, C>A on the plus strand (G>T on the coding strand, the complement: MED20 is on the minus strand). VCF-style: chr6-41916806-C-A. GRCh37 (hg19) VCF-style: chr6-41884544-C-A.
Other names: c.-155G>T (NM_001305456.2); c.148G>T, p.Ala50Ser (NM_001305457.2); c.-18+4199G>T (NM_001305455.2); short protein forms A50S.
Identifiers: ClinVar variation 1396185 (VCV001396185.8), dbSNP rs140526856, ClinGen allele CA3803639.

ClinVar aggregate classification (germline): Uncertain significance (1 of 4 stars; one submission).

gnomAD v4.1: 667 of 1,613,898 alleles (0.041%); highest among the groups gnomAD compares: Non-Finnish European, 0.052%; no homozygotes.

Submission:

Labcorp Genetics (formerly Invitae), Labcorp
Classification: Uncertain significance. Last evaluated: 2025-04-09. Review status: criteria provided, single submitter. Criteria: Invitae Variant Classification Sherloc (09022015). Collection method: clinical testing. Allele origin: germline.
Comment: This sequence change replaces alanine, which is neutral and non-polar, with serine, which is neutral and polar, at codon 50 of the MED20 protein (p.Ala50Ser). This variant is present in population databases (rs140526856, gnomAD 0.09%), and has an allele count higher than expected for a pathogenic variant. This variant has not been reported in the literature in individuals affected with MED20-related conditions. ClinVar contains an entry for this variant (Variation ID: 1396185). An algorithm developed to predict the effect of missense changes on protein structure and function outputs the following: PolyPhen-2: "Benign". The serine amino acid residue is found in multiple mammalian species, which suggests that this missense change does not adversely affect protein function. In summary, the available evidence is currently insufficient to determine the role of this variant in disease. Therefore, it has been classified as a Variant of Uncertain Significance.